The following is an entry in ClinVar:

ClinVar aggregate classification (germline): Uncertain significance. Review status: criteria provided, multiple submitters, no conflicts (2 of 4 stars). 3 submissions from 3 submitters: Uncertain significance (3). Last evaluated 2024-12-19.

Conditions:
DCHS1-related disorder. Also called: DCHS1-related condition.
Inborn genetic diseases. Identifiers: MedGen C0950123, MeSH D030342.

gnomAD v4.1: 14 of 1,612,522 alleles (0.00087%); highest among the groups gnomAD compares: Non-Finnish European, 0.0012%; no homozygotes.

Submissions (3):

Labcorp Genetics (formerly Invitae), Labcorp
Classification: Uncertain significance. Last evaluated: 2024-12-19. Review status: criteria provided, single submitter. Criteria: Invitae Variant Classification Sherloc (09022015). Collection method: clinical testing. Allele origin: germline.
Comment: This sequence change replaces arginine, which is basic and polar, with leucine, which is neutral and non-polar, at codon 1971 of the DCHS1 protein (p.Arg1971Leu). This variant is not present in population databases (gnomAD no frequency). This variant has not been reported in the literature in individuals affected with DCHS1-related conditions. ClinVar contains an entry for this variant (Variation ID: 1311651). Invitae Evidence Modeling of protein sequence and biophysical properties (such as structural, functional, and spatial information, amino acid conservation, physicochemical variation, residue mobility, and thermodynamic stability) indicates that this missense variant is not expected to disrupt DCHS1 protein function with a negative predictive value of 80%. In summary, the available evidence is currently insufficient to determine the role of this variant in disease. Therefore, it has been classified as a Variant of Uncertain Significance.

Ambry Genetics
Classification: Uncertain significance for Inborn genetic diseases. Last evaluated: 2023-10-20. Review status: criteria provided, single submitter. Criteria: Ambry Variant Classification Scheme 2023. Collection method: clinical testing. Allele origin: germline.

GeneDx
Classification: Uncertain significance. Last evaluated: 2020-01-30. Review status: criteria provided, single submitter. Criteria: GeneDx Variant Classification Process June 2021. Collection method: clinical testing. Allele origin: germline. Affected: yes.
Comment: Not observed in large population cohorts (Lek et al., 2016); In silico analysis supports that this missense variant does not alter protein structure/function; Has not been previously published as pathogenic or benign to our knowledge

NM_003737.4(DCHS1):c.5912G>T (p.Arg1971Leu)

Gene: DCHS1 (dachsous cadherin-related 1; minus strand). Cytogenetic location: 11p15.4.
Variant type: single nucleotide variant.
Coding change: c.5912G>T on transcript NM_003737.4 (MANE Select); coding-DNA position 5912, G replaced by T.
Protein change: p.Arg1971Leu; replaces arginine 1971 with leucine.
Molecular consequence: missense variant.
Genome position (GRCh38, 1-based): chr11:6,627,127, C>A on the plus strand (G>T on the coding strand, the complement: DCHS1 is on the minus strand). VCF-style: chr11-6627127-C-A. GRCh37 (hg19) VCF-style: chr11-6648358-C-A.
Other names: c.5912G>T (NM_003737.2); short protein forms R1971L.
Identifiers: ClinVar variation 1311651 (VCV001311651.7), dbSNP rs138329507, ClinGen allele CA379391237.